The following is an entry in ClinVar:

ClinVar aggregate classification (germline): Conflicting classifications of pathogenicity. Review status: criteria provided, conflicting classifications (1 of 4 stars). 2 submissions from 2 submitters: Likely pathogenic (1); Uncertain significance (1). Last evaluated 2022-08-13.

Conditions:
Citrullinemia type I (CTNL1). Also called: ASS DEFICIENCY; argininosuccinate synthetase deficiency. Identifiers: Orphanet 247525, MedGen C4721769, MONDO:0008988, OMIM 215700.

Allele frequency attached by ClinVar (database versions not stated): gnomAD exomes below 0.00001; TOPMed below 0.00001.
gnomAD v4.1: 4 of 1,614,084 alleles (0.00025%); highest among the groups gnomAD compares: Non-Finnish European, 0.00034%; no homozygotes.

Submissions (2):

Women's Health and Genetics/Laboratory Corporation of America, LabCorp
Classification: Uncertain significance. Last evaluated: 2022-08-13. Review status: criteria provided, single submitter. Criteria: LabCorp Variant Classification Summary - May 2015. Collection method: clinical testing. Allele origin: germline.
Comment: Variant summary: ASS1 c.904A>G (p.Met302Val) results in a conservative amino acid change in the encoded protein sequence. Three of five in-silico tools predict a benign effect of the variant on protein function. The variant was absent in 251472 control chromosomes. c.904A>G has been reported in the literature as a compound heterozygous genotype in an asymptomatic mother of a child homozygous for a different variant in the ASS1 gene (Berning_2008). These report(s) do not provide unequivocal conclusions about association of the variant with Citrullinemia Type I. At least one publication reports experimental evidence evaluating an impact on protein function (Berning_2008). The most pronounced variant effect results in <10% of normal argininosuccinate synthetase (ASS) enzyme activity in-vitro. One clinical diagnostic laboratory has submitted clinical-significance assessments for this variant to ClinVar after 2014 without evidence for independent evaluation and classified the variant as likely pathogenic. Based on the evidence outlined above, until additional clinical evidence supporting pathogenicity is obtained, the variant was classified as VUS-possibly pathogenic.

Revvity Omics, Revvity
Classification: Likely pathogenic for Citrullinemia type I. Last evaluated: 2020-03-26. Review status: criteria provided, single submitter. Criteria: ACMG Guidelines, 2015. Collection method: clinical testing. Allele origin: germline.

Literature cited by the submitters: PubMed 18473344 (cited by Women's Health and Genetics/Laboratory Corporation of America, LabCorp); PubMed 27287393 (cited by Women's Health and Genetics/Laboratory Corporation of America, LabCorp); PubMed 21244552 (cited by Women's Health and Genetics/Laboratory Corporation of America, LabCorp).

NM_054012.4(ASS1):c.904A>G (p.Met302Val)

Gene: ASS1 (argininosuccinate synthase 1; plus strand). Cytogenetic location: 9q34.11.
Variant type: single nucleotide variant.
Coding change: c.904A>G on transcript NM_054012.4 (MANE Select); coding-DNA position 904, A replaced by G.
Protein change: p.Met302Val; replaces methionine 302 with valine.
Molecular consequence: missense variant.
Genome position (GRCh38, 1-based): chr9:130,489,398, A>G. VCF-style: chr9-130489398-A-G. GRCh37 (hg19) VCF-style: chr9-133364785-A-G.
Other names: c.904A>G, p.Met302Val (NM_000050.4); short protein forms M302V.
Identifiers: ClinVar variation 1323949 (VCV001323949.5), dbSNP rs1846391609, ClinGen allele CA375230583.